The following is an entry in ClinVar:

NM_001256789.3(CACNA1F):c.1543G>A (p.Val515Met)

Gene: CACNA1F (calcium voltage-gated channel subunit alpha1 F; minus strand). Cytogenetic location: Xp11.23.
Variant type: single nucleotide variant.
Coding change: c.1543G>A on transcript NM_001256789.3 (MANE Select); coding-DNA position 1543, G replaced by A.
Protein change: p.Val515Met; replaces valine 515 with methionine.
Molecular consequence: missense variant.
Genome position (GRCh38, 1-based): chrX:49,226,017, C>T on the plus strand (G>A on the coding strand, the complement: CACNA1F is on the minus strand). VCF-style: chrX-49226017-C-T. GRCh37 (hg19) VCF-style: chrX-49082479-C-T.
Other names: c.1381G>A, p.Val461Met (NM_001256790.3); c.1576G>A, p.Val526Met (NM_005183.4); short protein forms V461M, V515M, V526M.
Identifiers: ClinVar variation 1396695 (VCV001396695.8), dbSNP rs781818336, ClinGen allele CA10410827.

ClinVar aggregate classification (germline): Uncertain significance (1 of 4 stars; one submission).

Allele frequency attached by ClinVar (database versions not stated): gnomAD exomes below 0.00001 and 0.00001; gnomAD 0.00002; TOPMed 0.00002; ExAC 0.00005.
gnomAD v4.1: 7 of 1,184,632 alleles (0.00059%); highest among the groups gnomAD compares: Non-Finnish European, 0.00079%; no homozygotes.

Submission:

Labcorp Genetics (formerly Invitae), Labcorp
Classification: Uncertain significance. Last evaluated: 2020-12-10. Review status: criteria provided, single submitter. Criteria: Invitae Variant Classification Sherloc (09022015). Collection method: clinical testing. Allele origin: germline.
Comment: In summary, the available evidence is currently insufficient to determine the role of this variant in disease. Therefore, it has been classified as a Variant of Uncertain Significance. Advanced modeling of protein sequence and biophysical properties (such as structural, functional, and spatial information, amino acid conservation, physicochemical variation, residue mobility, and thermodynamic stability) performed at Invitae indicates that this missense variant is expected to disrupt CACNA1F protein function. This variant has not been reported in the literature in individuals with CACNA1F-related conditions. This variant is present in population databases (rs781818336, ExAC 0.009%). This sequence change replaces valine with methionine at codon 526 of the CACNA1F protein (p.Val526Met). The valine residue is highly conserved and there is a small physicochemical difference between valine and methionine.